The following is an entry in ClinVar:

ClinVar aggregate classification (germline): Uncertain significance (1 of 4 stars; one submission).

Conditions:
Arrhythmogenic right ventricular dysplasia 5. Also called: Arrhythmogenic Right Ventricular Dysplasia/Cardiomyopathy 5; ARRHYTHMOGENIC RIGHT VENTRICULAR DYSPLASIA, FAMILIAL, 5. Identifiers: MedGen C1858379, MONDO:0011459, OMIM 604400.

Allele frequency attached by ClinVar (database versions not stated): gnomAD exomes below 0.00001.
gnomAD v4.1: 1 of 1,614,176 alleles (0.000062%); highest among the groups gnomAD compares: Non-Finnish European, 0.000085%; no homozygotes.

Submission:

Labcorp Genetics (formerly Invitae), Labcorp
Classification: Uncertain significance for Arrhythmogenic right ventricular dysplasia 5. Last evaluated: 2024-01-09. Review status: criteria provided, single submitter. Criteria: Invitae Variant Classification Sherloc (09022015). Collection method: clinical testing. Allele origin: germline.
Comment: This sequence change creates a premature translational stop signal (p.Glu132*) in the TMEM43 gene. It is expected to result in an absent or disrupted protein product. However, the current clinical and genetic evidence is not sufficient to establish whether loss-of-function variants in TMEM43 cause disease. The frequency data for this variant in the population databases is considered unreliable, as metrics indicate poor data quality at this position in the gnomAD database. This variant has not been reported in the literature in individuals affected with TMEM43-related conditions. ClinVar contains an entry for this variant (Variation ID: 1428073). In summary, the available evidence is currently insufficient to determine the role of this variant in disease. Therefore, it has been classified as a Variant of Uncertain Significance.

NM_024334.3(TMEM43):c.394G>T (p.Glu132Ter)

Gene: TMEM43 (transmembrane protein 43; plus strand). Cytogenetic location: 3p25.1.
Variant type: single nucleotide variant.
Coding change: c.394G>T on transcript NM_024334.3 (MANE Select); coding-DNA position 394, G replaced by T.
Protein change: p.Glu132Ter; replaces glutamic acid 132 with a stop codon.
Molecular consequence: nonsense.
Genome position (GRCh38, 1-based): chr3:14,132,547, G>T. VCF-style: chr3-14132547-G-T. GRCh37 (hg19) VCF-style: chr3-14174047-G-T.
Other names: short protein forms E132*.
Identifiers: ClinVar variation 1428073 (VCV001428073.6), dbSNP rs1315939046, ClinGen allele CA351534977.